The following is an entry in ClinVar:

NM_000152.5(GAA):c.258del (p.Asn87fs)

Gene: GAA (alpha glucosidase; plus strand). Cytogenetic location: 17q25.3.
Variant type: Deletion.
Coding change: c.258del on transcript NM_000152.5 (MANE Select); coding-DNA position 258, one base deleted (C; older notation c.258delC).
Protein change: p.Asn87fs; shifts the reading frame from asparagine 87.
Molecular consequence: frameshift variant.
Genome position (GRCh38, 1-based): chr17:80,104,844, C deleted; the last of 7 consecutive C bases (chr17:80,104,838-80,104,844); deleting any one gives the same sequence. VCF-style (leftmost placement, unchanged base first): chr17-80104837-TC-T. GRCh37 (hg19) VCF-style: chr17-78078636-TC-T.
Other names: NM_000152.5(GAA):c.258del; p.Asn87fs; c.258del (LRG_673t1); c.258del, p.Asn87fs (NM_001079803.3, NM_001079804.3); short protein forms N87fs.
Identifiers: ClinVar variation 551592 (VCV000551592.7), dbSNP rs761317813, ClinGen allele CA502402192.
Genomic context (GRCh38, chr17:80,104,837, plus strand): 5'-GGCCCCGGGATGCCCAGGCACACCCCGGCCGTCCCAGAGCAGTGCCCACACAGTGCGACG[TC>T]CCCCCCAACAGCCGCTTCGATTGCGCCCCTGACAAGGCCATCACCCAGGAACAGTGCGAG-3'

ClinVar aggregate classification (germline): Likely pathogenic. Review status: reviewed by expert panel (3 of 4 stars). 3 submissions from 3 submitters: Likely pathogenic (1). 2 of the submissions do not count toward it. Last evaluated 2024-04-05.

Conditions:
Glycogen storage disease, type II (IOPD). Also called: CARDIOMEGALIA GLYCOGENICA DIFFUSA; GLYCOGENOSIS, GENERALIZED, CARDIAC FORM; GSD II; Glycogen storage disease type 2; Acid maltase deficiency disease; Aglucosidase alfa. Identifiers: Orphanet 365, MedGen C0017921, MONDO:0009290, OMIM 232300.

Submissions (3):

ClinGen Lysosomal Storage Disorder Variant Curation Expert Panel
Classification: Likely pathogenic for Glycogen storage disease, type II. Last evaluated: 2024-04-05. Review status: reviewed by expert panel. Criteria: clingen_lsd_acmg_specifications_v2-1. Collection method: curation. Allele origin: germline. Inheritance: Autosomal recessive inheritance.
Comment: The NM_000152.5:c.258del (p.Asn87ThrfsTer55) variant in GAA is a frameshift variant predicted to cause a premature stop codon in biologically-relevant-exon 2 of 20, leading to nonsense mediated decay in a gene in which loss-of-function is an established disease mechanism (PVS1). This variant is absent in gnomAD v2.1.1. (PM2_Supporting). To our knowledge, this variant has not been reported in the literature in patients with Pompe disease. There is a ClinVar entry for this variant (Variation ID:551592). In summary, this variant meets the criteria to be classified as likely pathogenic for Pompe disease. The classification of this variant has been upgraded from Variant of Uncertain Significance to likely pathogenic based on the recommendations of the ClinGen Sequence Variant Interpretation Working Group, that a variant meeting PVS1 and PM2_Supporting is classified as Likely Pathogenic. The classification was first approved by the ClinGen Lysosomal Diseases Variant Curation Expert Panel on September 7, 2021. Since then, the data for this variant have been re-evaluated - no new data were identified. The classification of likely pathogenic was reapproved on April 5, 2024. GAA-specific ACMG/AMP criteria met, as specified by the ClinGen Lysosomal Diseases Variant Curation Expert Panel (Specifications Version 2.0): PVS1, PM2_Supporting.

Baylor Genetics
Classification: Pathogenic for Glycogen storage disease, type II. Last evaluated: 2022-10-10. Review status: criteria provided, single submitter. Criteria: ACMG Guidelines, 2015. Collection method: clinical testing. Allele origin: unknown. Not counted in ClinVar's aggregate classification.

Counsyl
Classification: Likely pathogenic for Glycogen storage disease, type II. Last evaluated: 2017-04-19. Review status: no assertion criteria provided. Collection method: clinical testing. Allele origin: unknown. Not counted in ClinVar's aggregate classification.